The following is an entry in ClinVar:

NM_006767.4(LZTR1):c.713A>G (p.Asp238Gly)

Gene: LZTR1 (leucine zipper like post translational regulator 1; plus strand). Cytogenetic location: 22q11.21.
Variant type: single nucleotide variant.
Coding change: c.713A>G on transcript NM_006767.4 (MANE Select); coding-DNA position 713, A replaced by G.
Protein change: p.Asp238Gly; replaces aspartic acid 238 with glycine.
Molecular consequence: missense variant.
Genome position (GRCh38, 1-based): chr22:20,990,447, A>G. VCF-style: chr22-20990447-A-G. GRCh37 (hg19) VCF-style: chr22-21344736-A-G.
Other names: short protein forms D238G.
Identifiers: ClinVar variation 3992728 (VCV003992728.2).

ClinVar aggregate classification (germline): Uncertain significance. Review status: criteria provided, multiple submitters, no conflicts (2 of 4 stars). 2 submissions from 2 submitters: Uncertain significance (2). Last evaluated 2025-06-02.

Conditions:
Cardiovascular phenotype. Identifiers: MedGen CN230736.
Hereditary cancer-predisposing syndrome. Also called: Tumor predisposition; Hereditary neoplastic syndrome; Neoplastic Syndromes, Hereditary; Hereditary Cancer Syndrome. Identifiers: Orphanet 140162, MedGen C0027672, MeSH D009386, MONDO:0015356.

Submissions (2):

Labcorp Genetics (formerly Invitae), Labcorp
Classification: Uncertain significance. Last evaluated: 2025-06-02. Review status: criteria provided, single submitter. Criteria: Invitae Variant Classification Sherloc (09022015). Collection method: clinical testing. Allele origin: germline.
Comment: This sequence change replaces aspartic acid, which is acidic and polar, with glycine, which is neutral and non-polar, at codon 238 of the LZTR1 protein (p.Asp238Gly). This variant is not present in population databases (gnomAD no frequency). This variant has not been reported in the literature in individuals affected with LZTR1-related conditions. Invitae Evidence Modeling of protein sequence and biophysical properties (such as structural, functional, and spatial information, amino acid conservation, physicochemical variation, residue mobility, and thermodynamic stability) indicates that this missense variant is not expected to disrupt LZTR1 protein function with a negative predictive value of 80%. In summary, the available evidence is currently insufficient to determine the role of this variant in disease. Therefore, it has been classified as a Variant of Uncertain Significance.

Ambry Genetics
Classification: Uncertain significance for Cardiovascular phenotype; Hereditary cancer-predisposing syndrome. Last evaluated: 2025-05-05. Review status: criteria provided, single submitter. Criteria: Ambry Variant Classification Scheme 2023. Collection method: clinical testing. Allele origin: germline.
Comment: The p.D238G variant (also known as c.713A>G), located in coding exon 8 of the LZTR1 gene, results from an A to G substitution at nucleotide position 713. The aspartic acid at codon 238 is replaced by glycine, an amino acid with similar properties. This amino acid position is conserved. In addition, the in silico prediction for this alteration is inconclusive. Based on the available evidence, the clinical significance of this variant remains unclear.